The following is an entry in ClinVar:

ClinVar aggregate classification (germline): Uncertain significance (1 of 4 stars; one submission).

Conditions:
Inborn genetic diseases. Identifiers: MedGen C0950123, MeSH D030342.

Submission:

Ambry Genetics
Classification: Uncertain significance for Inborn genetic diseases. Last evaluated: 2025-01-17. Review status: criteria provided, single submitter. Criteria: Ambry Variant Classification Scheme 2023. Collection method: clinical testing. Allele origin: germline.
Comment: The p.Q573H variant (also known as c.1719G>T), located in coding exon 14 of the DNMT3A gene, results from a G to T substitution at nucleotide position 1719. The glutamine at codon 573 is replaced by histidine, an amino acid with highly similar properties. This amino acid position is conserved. In addition, this alteration is predicted to be tolerated by in silico analysis. Based on the available evidence, the clinical significance of this variant remains unclear.

NM_022552.5(DNMT3A):c.1719G>T (p.Gln573His)

Gene: DNMT3A (DNA methyltransferase 3 alpha; minus strand). Cytogenetic location: 2p23.3.
Variant type: single nucleotide variant.
Coding change: c.1719G>T on transcript NM_022552.5 (MANE Select); coding-DNA position 1719, G replaced by T.
Protein change: p.Gln573His; replaces glutamine 573 with histidine.
Molecular consequence: missense variant. On other transcripts: non-coding transcript variant (1).
Genome position (GRCh38, 1-based): chr2:25,244,287, C>A on the plus strand (G>T on the coding strand, the complement: DNMT3A is on the minus strand). VCF-style: chr2-25244287-C-A. GRCh37 (hg19) VCF-style: chr2-25467156-C-A.
Other names: c.1263G>T, p.Gln421His (NM_001320893.1); c.1050G>T, p.Gln350His (NM_001375819.1); c.1152G>T, p.Gln384His (NM_153759.3); c.1719G>T, p.Gln573His (NM_175629.2); short protein forms Q421H, Q573H, Q384H, Q350H.
Identifiers: ClinVar variation 3841764 (VCV003841764.1).
Genomic context (GRCh38, chr2:25,244,287, plus strand): 5'-CCCGTAGGTACCCTTGTGCCCGCACATGTAGCAGTTCCAGGGGTCTTCCTTAATGGCTGC[C>A]TGGGCAGCCCCCGGCCCCACCAAGAGGTCCACACACTCCACGCAAAAGCACCTGGAAGGA-3'
Protein context (NP_072046.2, residues 563-583): VDLLVGPGAA[Gln573His]AAIKEDPWNC